The following is an entry in ClinVar:

ClinVar aggregate classification (germline): Pathogenic/Likely pathogenic. Review status: criteria provided, multiple submitters, no conflicts (2 of 4 stars). 2 submissions from 2 submitters: Pathogenic (1); Likely pathogenic (1). Last evaluated 2023-08-10.

Conditions:
Bardet-Biedl syndrome 12 (BBS12). Identifiers: Orphanet 110, MedGen C1859570, MONDO:0014440, OMIM 615989.
Bardet-Biedl syndrome (BBS). Identifiers: Orphanet 110, MedGen C0752166, MONDO:0015229.

Allele frequency attached by ClinVar (database versions not stated): gnomAD exomes 0.00001.

Submissions (2):

Baylor Genetics
Classification: Likely pathogenic for Bardet-Biedl syndrome 12. Last evaluated: 2023-08-10. Review status: criteria provided, single submitter. Criteria: ACMG Guidelines, 2015. Collection method: clinical testing. Allele origin: unknown.

Labcorp Genetics (formerly Invitae), Labcorp
Classification: Pathogenic for Bardet-Biedl syndrome. Last evaluated: 2022-01-06. Review status: criteria provided, single submitter. Criteria: Invitae Variant Classification Sherloc (09022015). Collection method: clinical testing. Allele origin: germline.
Comment: For these reasons, this variant has been classified as Pathogenic. This variant disrupts a region of the BBS12 protein in which other variant(s) (p.Arg355*) have been determined to be pathogenic (PMID: 17160889, 23591405). This suggests that this is a clinically significant region of the protein, and that variants that disrupt it are likely to be disease-causing. This variant has not been reported in the literature in individuals affected with BBS12-related conditions. This variant is present in population databases (no rsID available, gnomAD 0.0009%). This sequence change creates a premature translational stop signal (p.Thr336Metfs*10) in the BBS12 gene. While this is not anticipated to result in nonsense mediated decay, it is expected to disrupt the last 375 amino acid(s) of the BBS12 protein.

Literature cited by the submitters: PubMed 17160889 (cited by Labcorp Genetics (formerly Invitae), Labcorp); PubMed 23591405 (cited by Labcorp Genetics (formerly Invitae), Labcorp).

NM_152618.3(BBS12):c.1007del (p.Thr336fs)

Gene: BBS12 (Bardet-Biedl syndrome 12; plus strand). Cytogenetic location: 4q27.
Variant type: Deletion.
Coding change: c.1007del on transcript NM_152618.3 (MANE Select); coding-DNA position 1007, one base deleted (C; older notation c.1007delC).
Protein change: p.Thr336fs; shifts the reading frame from threonine 336.
Molecular consequence: frameshift variant.
Genome position (GRCh38, 1-based): chr4:122,742,899, C deleted. VCF-style (leftmost placement, unchanged base first): chr4-122742898-AC-A. GRCh37 (hg19) VCF-style: chr4-123664053-AC-A.
Other names: c.1007del, p.Thr336fs (NM_001178007.2); short protein forms T336fs.
Identifiers: ClinVar variation 1934917 (VCV001934917.6), dbSNP rs1365414881, ClinGen allele CA554527003.